The following is an entry in ClinVar:

NM_000052.7(ATP7A):c.1754G>C (p.Ser585Thr)

Gene: ATP7A (ATPase copper transporting alpha; plus strand). Cytogenetic location: Xq21.1.
Variant type: single nucleotide variant.
Coding change: c.1754G>C on transcript NM_000052.7 (MANE Select); coding-DNA position 1754, G replaced by C.
Protein change: p.Ser585Thr; replaces serine 585 with threonine.
Molecular consequence: missense variant.
Genome position (GRCh38, 1-based): chrX:78,009,148, G>C. VCF-style: chrX-78009148-G-C. GRCh37 (hg19) VCF-style: chrX-77264645-G-C.
Other names: c.1754G>C, p.Ser585Thr (NM_001282224.2); short protein forms S585T.
Identifiers: ClinVar variation 3749537 (VCV003749537.2).

ClinVar aggregate classification (germline): Uncertain significance (1 of 4 stars; one submission).

Conditions:
Menkes kinky-hair syndrome (MNK). Also called: Copper transport disease; Menkes Disease; Classic Menkes Disease. Identifiers: Orphanet 565, MedGen C0022716, MONDO:0010651, OMIM 309400.
X-linked distal spinal muscular atrophy type 3. Also called: ATP7A-Related Distal Motor Neuropathy; SPINAL MUSCULAR ATROPHY, DISTAL, X-LINKED RECESSIVE; NEURONOPATHY, DISTAL HEREDITARY MOTOR, X-LINKED; NEUROPATHY, DISTAL HEREDITARY MOTOR, X-LINKED. Identifiers: Orphanet 139557, MedGen C1845359, MONDO:0010338, OMIM 300489.
Cutis laxa, X-linked (OHS). Also called: EDS IX; Occipital horn syndrome. Identifiers: Orphanet 198, MedGen C0268353, MONDO:0010572, OMIM 304150.

gnomAD v4.1: 1 of 1,210,289 alleles (0.000083%); highest among the groups gnomAD compares: Non-Finnish European, 0.00011%; no homozygotes.

Submission:

Labcorp Genetics (formerly Invitae), Labcorp
Classification: Uncertain significance for X-linked distal spinal muscular atrophy type 3; Cutis laxa, X-linked; Menkes kinky-hair syndrome. Last evaluated: 2024-11-04. Review status: criteria provided, single submitter. Criteria: Invitae Variant Classification Sherloc (09022015). Collection method: clinical testing. Allele origin: germline.
Comment: This sequence change replaces serine, which is neutral and polar, with threonine, which is neutral and polar, at codon 585 of the ATP7A protein (p.Ser585Thr). This variant is not present in population databases (gnomAD no frequency). This variant has not been reported in the literature in individuals affected with ATP7A-related conditions. Invitae Evidence Modeling of protein sequence and biophysical properties (such as structural, functional, and spatial information, amino acid conservation, physicochemical variation, residue mobility, and thermodynamic stability) indicates that this missense variant is not expected to disrupt ATP7A protein function with a negative predictive value of 95%. In summary, the available evidence is currently insufficient to determine the role of this variant in disease. Therefore, it has been classified as a Variant of Uncertain Significance.